The following is an entry in ClinVar:

ClinVar aggregate classification (germline): Pathogenic. Review status: criteria provided, single submitter (1 of 4 stars). 2 submissions from 2 submitters: Pathogenic (1). 1 of the submissions does not count toward it. Last evaluated 2020-05-14.

Conditions:
Xeroderma pigmentosum group A (XPA). Also called: XPA-Related Xeroderma Pigmentosum; Xeroderma pigmentosum, complementation group A; XP, group A. Identifiers: Orphanet 910, MedGen C0268135, MONDO:0010210, OMIM 278700.

Allele frequency attached by ClinVar (database versions not stated): gnomAD exomes 0.00001.

Submissions (2):

Labcorp Genetics (formerly Invitae), Labcorp
Classification: Pathogenic. Last evaluated: 2020-05-14. Review status: criteria provided, single submitter. Criteria: Invitae Variant Classification Sherloc (09022015). Collection method: clinical testing. Allele origin: germline.
Comment: This sequence change results in a premature translational stop signal in the XPA gene (p.Glu245*). While this is not anticipated to result in nonsense mediated decay, it is expected to disrupt the last 29 amino acids of the XPA protein. This variant is not present in population databases (ExAC no frequency). For these reasons, this variant has been classified as Pathogenic. This variant disrupts the C-terminus of the XPA protein. Other variant(s) that disrupt this region (p.Arg258Tyrfs*5) have been determined to be pathogenic (PMID: 31478152). This suggests that variants that disrupt this region of the protein are likely to be causative of disease. This variant has not been reported in the literature in individuals with XPA-related conditions. ClinVar contains an entry for this variant (Variation ID: 552532).

Counsyl
Classification: Likely pathogenic for Xeroderma pigmentosum group A. Last evaluated: 2017-06-15. Review status: no assertion criteria provided. Collection method: clinical testing. Allele origin: unknown. Not counted in ClinVar's aggregate classification.

Literature cited by the submitters: PubMed 31478152 (cited by Labcorp Genetics (formerly Invitae), Labcorp).

NM_000380.4(XPA):c.732dup (p.Glu245Ter)

Gene: XPA (XPA, DNA damage recognition and repair factor; minus strand). Cytogenetic location: 9q22.33.
Variant type: Duplication.
Coding change: c.732dup on transcript NM_000380.4 (MANE Select); coding-DNA position 732, one base duplicated (T; older notation c.732dupT).
Protein change: p.Glu245Ter; replaces glutamic acid 245 with a stop codon.
Molecular consequence: nonsense. On other transcripts: non-coding transcript variant (5).
Genome position (GRCh38, 1-based): chr9:97,675,529, A duplicated on the plus strand (T on the coding strand, the reverse complement: XPA is on the minus strand). VCF-style (leftmost placement, unchanged base first): chr9-97675528-C-CA. GRCh37 (hg19) VCF-style: chr9-100437810-C-CA.
Other names: c.606dup, p.Glu203Ter (NM_001354975.2); c.732dupT (NM_000380.3); short protein forms E245*, E203*.
Identifiers: ClinVar variation 552532 (VCV000552532.10), dbSNP rs1554699296, ClinGen allele CA658821481.